The following is an entry in ClinVar:

ClinVar aggregate classification (germline): Uncertain significance (1 of 4 stars; one submission).

Conditions:
Maple syrup urine disease, mild variant (MSUDMV). Identifiers: Orphanet 511, MedGen C3554575, MONDO:0014057, OMIM 615135.

Allele frequency attached by ClinVar (database versions not stated): gnomAD exomes below 0.00001; TOPMed below 0.00001; ExAC 0.00001; gnomAD 0.00001.
gnomAD v4.1: 7 of 1,613,906 alleles (0.00043%); highest among the groups gnomAD compares: Non-Finnish European, 0.00059%; no homozygotes.

Submission:

Labcorp Genetics (formerly Invitae), Labcorp
Classification: Uncertain significance for Maple syrup urine disease, mild variant. Last evaluated: 2024-08-29. Review status: criteria provided, single submitter. Criteria: Invitae Variant Classification Sherloc (09022015). Collection method: clinical testing. Allele origin: germline.
Comment: This sequence change replaces proline, which is neutral and non-polar, with leucine, which is neutral and non-polar, at codon 345 of the PPM1K protein (p.Pro345Leu). This variant is present in population databases (rs759362568, gnomAD 0.006%). This variant has not been reported in the literature in individuals affected with PPM1K-related conditions. ClinVar contains an entry for this variant (Variation ID: 2162592). An algorithm developed to predict the effect of missense changes on protein structure and function (PolyPhen-2) suggests that this variant is likely to be disruptive. In summary, the available evidence is currently insufficient to determine the role of this variant in disease. Therefore, it has been classified as a Variant of Uncertain Significance.

NM_152542.5(PPM1K):c.1034C>T (p.Pro345Leu)

Gene: PPM1K (protein phosphatase, Mg2+/Mn2+ dependent 1K; minus strand). Cytogenetic location: 4q22.1.
Variant type: single nucleotide variant.
Coding change: c.1034C>T on transcript NM_152542.5 (MANE Select); coding-DNA position 1034, C replaced by T.
Protein change: p.Pro345Leu; replaces proline 345 with leucine.
Molecular consequence: missense variant.
Genome position (GRCh38, 1-based): chr4:88,262,680, G>A on the plus strand (C>T on the coding strand, the complement: PPM1K is on the minus strand). VCF-style: chr4-88262680-G-A. GRCh37 (hg19) VCF-style: chr4-89183832-G-A.
Other names: short protein forms P345L.
Identifiers: ClinVar variation 2162592 (VCV002162592.4), dbSNP rs759362568, ClinGen allele CA3005110.